The following is an entry in ClinVar:

ClinVar aggregate classification (germline): Uncertain significance (1 of 4 stars; one submission).

Conditions:
Warburg micro syndrome 2 (WARBM2). Also called: MICRO SYNDROME 2. Identifiers: Orphanet 2510, MedGen C3280214, MONDO:0013641, OMIM 614225.
Martsolf syndrome (MARTS). Also called: Congenital cataract with intellectual disability and hypogonadotropic hypogonadism syndrome. Identifiers: Orphanet 1387, MedGen C0796037, MONDO:0023910.

Submission:

Labcorp Genetics (formerly Invitae), Labcorp
Classification: Uncertain significance for Martsolf syndrome; Warburg micro syndrome 2. Last evaluated: 2022-09-15. Review status: criteria provided, single submitter. Criteria: Invitae Variant Classification Sherloc (09022015). Collection method: clinical testing. Allele origin: germline.
Comment: This sequence change creates a premature translational stop signal (p.Pro1332Hisfs*8) in the RAB3GAP2 gene. While this is not anticipated to result in nonsense mediated decay, it is expected to disrupt the last 62 amino acid(s) of the RAB3GAP2 protein. This variant is not present in population databases (gnomAD no frequency). This variant has not been reported in the literature in individuals affected with RAB3GAP2-related conditions. Experimental studies and prediction algorithms are not available or were not evaluated, and the functional significance of this variant is currently unknown. In summary, the available evidence is currently insufficient to determine the role of this variant in disease. Therefore, it has been classified as a Variant of Uncertain Significance.

NM_012414.4(RAB3GAP2):c.3995del (p.Pro1332fs)

Gene: RAB3GAP2 (RAB3 GTPase activating non-catalytic protein subunit 2; minus strand). Cytogenetic location: 1q41.
Variant type: Deletion.
Coding change: c.3995del on transcript NM_012414.4 (MANE Select); coding-DNA position 3995, one base deleted (C; older notation c.3995delC).
Protein change: p.Pro1332fs; shifts the reading frame from proline 1332.
Molecular consequence: frameshift variant.
Genome position (GRCh38, 1-based): chr1:220,151,637, G deleted on the plus strand (C on the coding strand, the reverse complement: RAB3GAP2 is on the minus strand); the first of 2 consecutive G bases (chr1:220,151,637-220,151,638); deleting either gives the same sequence. VCF-style (leftmost placement, unchanged base first): chr1-220151636-TG-T. GRCh37 (hg19) VCF-style: chr1-220324978-TG-T.
Other names: short protein forms P1332fs.
Identifiers: ClinVar variation 1928960 (VCV001928960.5), dbSNP rs2528604812, ClinGen allele CA2580062197.